The following is an entry in ClinVar:

NM_170606.3(KMT2C):c.6082C>T (p.Arg2028Ter)

Gene: KMT2C (lysine methyltransferase 2C; minus strand). Cytogenetic location: 7q36.1.
Variant type: single nucleotide variant.
Coding change: c.6082C>T on transcript NM_170606.3 (MANE Select); coding-DNA position 6082, C replaced by T.
Protein change: p.Arg2028Ter; replaces arginine 2028 with a stop codon.
Molecular consequence: nonsense.
Genome position (GRCh38, 1-based): chr7:152,181,778, G>A on the plus strand (C>T on the coding strand, the complement: KMT2C is on the minus strand). VCF-style: chr7-152181778-G-A. GRCh37 (hg19) VCF-style: chr7-151878863-G-A.
Other names: short protein forms R2028*.
Identifiers: ClinVar variation 1216958 (VCV001216958.5), dbSNP rs1563288201, ClinGen allele CA370096777.

ClinVar aggregate classification (germline): Pathogenic (1 of 4 stars; one submission).
ClinVar aggregate classification (oncogenicity): Likely oncogenic (1 of 4 stars; one submission).

Conditions:
Neoplasm. Also called: Neoplasms; Neoplasm (disease); tumor. Identifiers: MedGen C0027651, MeSH D009369, MONDO:0005070, HP:0002664.

Submissions (2):

Center for Genomic Medicine, Rigshospitalet, Copenhagen University Hospital
Classification: Likely oncogenic for Neoplasm. Last evaluated: 2025-12-29. Review status: criteria provided, single submitter. Criteria: ClinGen/CGC/VICC Guidelines for Oncogenicity, 2022. Collection method: clinical testing. Allele origin: somatic. Affected: yes.

GeneDx
Classification: Pathogenic. Last evaluated: 2024-04-12. Review status: criteria provided, single submitter. Criteria: GeneDx Variant Classification Process June 2021. Collection method: clinical testing. Allele origin: germline. Affected: yes.
Comment: Nonsense variant predicted to result in protein truncation or nonsense mediated decay in a gene for which loss-of-function is a known mechanism of disease; Not observed at significant frequency in large population cohorts (gnomAD); Has not been previously published as pathogenic or benign to our knowledge; This variant is associated with the following publications: (PMID: 30987376)